The following is an entry in ClinVar:

NM_015450.3(POT1):c.950-6_950-5del

Gene: POT1 (protection of telomeres 1; minus strand). Cytogenetic location: 7q31.33.
Variant type: Deletion.
Coding change: c.950-6_950-5del on transcript NM_015450.3 (MANE Select); 6 bases into the intron before coding-DNA position 950 through 5 bases into the intron before coding-DNA position 950, 2 bases deleted (TT; older notation c.950-6_950-5delTT).
Molecular consequence: intron variant.
Genome position (GRCh38, 1-based): chr7:124,847,003-124,847,004, AA deleted on the plus strand (TT on the coding strand, the reverse complement: POT1 is on the minus strand); deleting any 2 consecutive bases within chr7:124,847,003-124,847,007 gives the same sequence; the c. name uses the placement nearest the transcript's 3' end. VCF-style (leftmost placement, unchanged base first): chr7-124847002-TAA-T. GRCh37 (hg19) VCF-style: chr7-124487056-TAA-T.
Other names: c.557-6_557-5del (NM_001042594.2); c.950-6_950-5delTT (NM_015450.2).
Identifiers: ClinVar variation 1631228 (VCV001631228.10), dbSNP rs983350793, ClinGen allele CA166059675.

ClinVar aggregate classification (germline): Likely benign. Review status: criteria provided, multiple submitters, no conflicts (2 of 4 stars). 3 submissions from 3 submitters: Likely benign (2). 1 of the submissions does not count toward it. Last evaluated 2025-12-21.

Conditions:
Tumor predisposition syndrome 3 (TPDS3). Also called: Melanoma, cutaneous malignant, susceptibility to, 10; Glioma susceptibility 9; LONG TELOMERE SYNDROME, POT1-RELATED; POT1 Tumor Predisposition. Identifiers: Orphanet 618, MedGen C4014476, MONDO:0014368, OMIM 615848.
POT1-related disorder. Also called: POT1-related condition.
Hereditary cancer-predisposing syndrome. Also called: Tumor predisposition; Hereditary Cancer Syndrome; Hereditary neoplastic syndrome; Neoplastic Syndromes, Hereditary. Identifiers: Orphanet 140162, MedGen C0027672, MeSH D009386, MONDO:0015356.

Submissions (3):

Labcorp Genetics (formerly Invitae), Labcorp
Classification: Likely benign for Tumor predisposition syndrome 3. Last evaluated: 2025-12-21. Review status: criteria provided, single submitter. Criteria: Invitae Variant Classification Sherloc (09022015). Collection method: clinical testing. Allele origin: germline.

Ambry Genetics
Classification: Likely benign for Hereditary cancer-predisposing syndrome. Last evaluated: 2023-12-27. Review status: criteria provided, single submitter. Criteria: Ambry Variant Classification Scheme 2023. Collection method: clinical testing. Allele origin: germline.

PreventionGenetics, part of Exact Sciences
Classification: Likely benign for POT1-related condition. Last evaluated: 2024-05-29. Review status: no assertion criteria provided. Collection method: clinical testing. Allele origin: germline. Not counted in ClinVar's aggregate classification.
Comment: This variant is classified as likely benign based on ACMG/AMP sequence variant interpretation guidelines (Richards et al. 2015 PMID: 25741868, with internal and published modifications).